The following is an entry in ClinVar:

NM_001735.3(C5):c.4311A>C (p.Glu1437Asp)

Gene: C5 (complement C5; minus strand). Cytogenetic location: 9q33.2.
Variant type: single nucleotide variant.
Coding change: c.4311A>C on transcript NM_001735.3 (MANE Select); coding-DNA position 4311, A replaced by C.
Protein change: p.Glu1437Asp; replaces glutamic acid 1437 with aspartic acid.
Molecular consequence: missense variant.
Genome position (GRCh38, 1-based): chr9:120,963,648, T>G on the plus strand (A>C on the coding strand, the complement: C5 is on the minus strand). VCF-style: chr9-120963648-T-G. GRCh37 (hg19) VCF-style: chr9-123725926-T-G.
Other names: c.4329A>C, p.Glu1443Asp (NM_001317163.2); short protein forms E1437D, E1443D.
Identifiers: ClinVar variation 402451 (VCV000402451.16), dbSNP rs17612, ClinGen allele CA5217220.

ClinVar aggregate classification (germline): Benign/Likely benign. Review status: criteria provided, multiple submitters, no conflicts (2 of 4 stars). 5 submissions from 5 submitters: Benign (3); Likely benign (2). Last evaluated 2026-02-04.

Allele frequency attached by ClinVar (database versions not stated): 1000 Genomes Project 0.03534; 1000 Genomes Project 30x 0.03607; gnomAD 0.04470 and 0.04540; TOPMed 0.04716; gnomAD exomes 0.05369 and 0.06276; ESP Exome Variant Server 0.05390; ExAC 0.05549.
gnomAD v4.1: 98,243 of 1,610,638 alleles (6.1%); highest among the groups gnomAD compares: Non-Finnish European, 6.8%; 3,483 homozygotes.

Submissions (5):

Labcorp Genetics (formerly Invitae), Labcorp
Classification: Benign. Last evaluated: 2026-02-04. Review status: criteria provided, single submitter. Criteria: Invitae Variant Classification Sherloc (09022015). Collection method: clinical testing. Allele origin: germline.

Women's Health and Genetics/Laboratory Corporation of America, LabCorp
Classification: Likely benign. Last evaluated: 2026-01-21. Review status: criteria provided, single submitter. Criteria: LabCorp Variant Classification Summary - May 2015. Collection method: clinical testing. Allele origin: germline.

Blueprint Genetics
Classification: Likely benign. Last evaluated: 2024-11-27. Review status: criteria provided, single submitter. Criteria: ACMG Guidelines, 2015. Collection method: clinical testing. Allele origin: germline.

Laboratory for Molecular Medicine, Mass General Brigham Personalized Medicine
Classification: Benign. Last evaluated: 2016-03-28. Review status: criteria provided, single submitter. Criteria: LMM Criteria. Collection method: clinical testing. Allele origin: germline.
Comment: Variant identified in a genome or exome case(s) and assessed due to predicted null impact of the variant or pathogenic assertions in the literature or databases. Disclaimer: This variant has not undergone full assessment. The following are preliminary notes: Frequency

Breakthrough Genomics
Classification: Benign. Review status: criteria provided, single submitter. Criteria: ACMG Guidelines, 2015. Collection method: not provided. Allele origin: germline. Inheritance: Autosomal recessive inheritance. Affected: yes.